The following is an entry in ClinVar:

NM_006073.4(TRDN):c.772G>C (p.Val258Leu)

Gene: TRDN (triadin; minus strand). Cytogenetic location: 6q22.31.
Variant type: single nucleotide variant.
Coding change: c.772G>C on transcript NM_006073.4 (MANE Select); coding-DNA position 772, G replaced by C.
Protein change: p.Val258Leu; replaces valine 258 with leucine.
Molecular consequence: missense variant.
Genome position (GRCh38, 1-based): chr6:123,503,740, C>G on the plus strand (G>C on the coding strand, the complement: TRDN is on the minus strand). VCF-style: chr6-123503740-C-G. GRCh37 (hg19) VCF-style: chr6-123824885-C-G.
Other names: c.772G>C, p.Val258Leu (NM_001251987.2, NM_001256020.2, NM_001256021.2 and 1 more transcripts); short protein forms V258L.
Identifiers: ClinVar variation 1760353 (VCV001760353.2), dbSNP rs1368380740, ClinGen allele CA365567578.

ClinVar aggregate classification (germline): Uncertain significance (1 of 4 stars; one submission).

Conditions:
Cardiovascular phenotype. Identifiers: MedGen CN230736.

Allele frequency attached by ClinVar (database versions not stated): gnomAD exomes below 0.00001.
gnomAD v4.1: 5 of 1,613,792 alleles (0.00031%); highest among the groups gnomAD compares: Non-Finnish European, 0.00042%; no homozygotes.

Submission:

Ambry Genetics
Classification: Uncertain significance for Cardiovascular phenotype. Last evaluated: 2021-03-22. Review status: criteria provided, single submitter. Criteria: Ambry Variant Classification Scheme 2023. Collection method: clinical testing. Allele origin: germline.
Comment: The p.V258L variant (also known as c.772G>C), located in coding exon 8 of the TRDN gene, results from a G to C substitution at nucleotide position 772. The valine at codon 258 is replaced by leucine, an amino acid with highly similar properties. This amino acid position is not well conserved in available vertebrate species, and leucine is the reference amino acid in other vertebrate species. In addition, this alteration is predicted to be tolerated by in silico analysis. Since supporting evidence is limited at this time, the clinical significance of this alteration remains unclear.